The following is an entry in ClinVar:

ClinVar aggregate classification (germline): Uncertain significance (1 of 4 stars; one submission).

Submission:

Ambry Genetics
Classification: Uncertain significance. Last evaluated: 2021-06-30. Review status: criteria provided, single submitter. Criteria: Ambry Variant Classification Scheme 2023. Collection method: clinical testing. Allele origin: germline.
Comment: The p.K254R variant (also known as c.761A>G), located in coding exon 8 of the PRKDC gene, results from an A to G substitution at nucleotide position 761. The lysine at codon 254 is replaced by arginine, an amino acid with highly similar properties. This amino acid position is conserved. In addition, this alteration is predicted to be tolerated by in silico analysis. Since supporting evidence is limited at this time, the clinical significance of this alteration remains unclear.

NM_006904.7(PRKDC):c.761A>G (p.Lys254Arg)

Gene: PRKDC (protein kinase, DNA-activated, catalytic subunit; minus strand). Cytogenetic location: 8q11.21.
Variant type: single nucleotide variant.
Coding change: c.761A>G on transcript NM_006904.7 (MANE Select); coding-DNA position 761, A replaced by G.
Protein change: p.Lys254Arg; replaces lysine 254 with arginine.
Molecular consequence: missense variant.
Genome position (GRCh38, 1-based): chr8:47,943,990, T>C on the plus strand (A>G on the coding strand, the complement: PRKDC is on the minus strand). VCF-style: chr8-47943990-T-C. GRCh37 (hg19) VCF-style: chr8-48856550-T-C.
Other names: c.761A>G, p.Lys254Arg (NM_001081640.2); short protein forms K254R.
Identifiers: ClinVar variation 1759831 (VCV001759831.2), dbSNP rs2551880810, ClinGen allele CA371136445.
Genomic context (GRCh38, chr8:47,943,990, plus strand): 5'-CTGTAAAGGCATTAGAATAATATTAATAGTAATATTAATCCTACCTGAGGACGAATTGCC[T>C]TTAGTACAAAATTAAAAATCTCCCTTGAAGTCTGGGGATCTAGGGAAATACCAAGAAGCC-3'
Protein context (NP_008835.5, residues 244-264): TSREIFNFVL[Lys254Arg]AIRPQIDLKR